The following is an entry in ClinVar:

NM_001148.6(ANK2):c.377A>C (p.Gln126Pro)

Gene: ANK2 (ankyrin 2; plus strand). Cytogenetic location: 4q25.
Variant type: single nucleotide variant.
Coding change: c.377A>C on transcript NM_001148.6 (MANE Select); coding-DNA position 377, A replaced by C.
Protein change: p.Gln126Pro; replaces glutamine 126 with proline.
Molecular consequence: missense variant.
Genome position (GRCh38, 1-based): chr4:113,199,102, A>C. VCF-style: chr4-113199102-A-C. GRCh37 (hg19) VCF-style: chr4-114120258-A-C.
Other names: c.314A>C, p.Gln105Pro (NM_001386143.1, NM_001386146.1, NM_001386149.1 and 33 more transcripts); c.422A>C, p.Gln141Pro (NM_001386144.1, NM_001386152.1, NM_001354241.2 and 5 more transcripts); c.359A>C, p.Gln120Pro (NM_001386147.1, NM_001386160.1, NM_001354261.2); c.365A>C, p.Gln122Pro (NM_001386148.2, NM_001386186.2, NM_001386187.2 and 1 more transcripts); c.428A>C, p.Gln143Pro (NM_001386174.1, NM_001386175.1); c.377A>C, p.Gln126Pro (NM_020977.5, NM_001354225.2, NM_001354245.2 and 9 more transcripts); short protein forms Q126P, Q105P, Q141P, Q120P, Q122P, Q143P.
Identifiers: ClinVar variation 457035 (VCV000457035.5), dbSNP rs770384149, ClinGen allele CA357993791.
Genomic context (GRCh38, chr4:113,199,102, plus strand): 5'-TGGCTGGACAAGCAGAAGTTGTCAAAGTTCTTGTTAAGGAAGGAGCCAATATTAATGCAC[A>C]GTCTCAGGTATTCCATTCAGATTTTCCCTGATGTACATACATTTAAATTAGAACAGTTTT-3'
Protein context (NP_001139.3, residues 116-136): LVKEGANINA[Gln126Pro]SQNGFTPLYM

ClinVar aggregate classification (germline): Uncertain significance (1 of 4 stars; one submission).

Conditions:
Long QT syndrome (LQTS). Identifiers: MedGen C0023976, MeSH D008133, MONDO:0002442. Disease mechanism: loss of function. Inheritance: Various modes of inheritance.

gnomAD v4.1: 1 of 1,607,244 alleles (0.000062%); highest among the groups gnomAD compares: Non-Finnish European, 0.000085%; no homozygotes.

Submission:

Labcorp Genetics (formerly Invitae), Labcorp
Classification: Uncertain significance for Long QT syndrome. Last evaluated: 2017-04-24. Review status: criteria provided, single submitter. Criteria: Invitae Variant Classification Sherloc (09022015). Collection method: clinical testing. Allele origin: germline.
Comment: In summary, this variant is a novel missense change with uncertain impact on protein function. It has been classified as a Variant of Uncertain Significance. Algorithms developed to predict the effect of missense changes on protein structure and function do not agree on the potential impact of this missense change (SIFT: "Deleterious"; PolyPhen-2: "Probably Damaging"; Align-GVGD: "Class C0"). This variant is not present in population databases (ExAC no frequency) and has not been reported in the literature in individuals with a ANK2-related disease. This sequence change replaces glutamine with proline at codon 126 of the ANK2 protein (p.Gln126Pro). The glutamine residue is highly conserved and there is a moderate physicochemical difference between glutamine and proline.